The following is an entry in ClinVar:

NM_199420.4(POLQ):c.295T>C (p.Cys99Arg)

Gene: POLQ (DNA polymerase theta; minus strand). Cytogenetic location: 3q13.33.
Variant type: single nucleotide variant.
Coding change: c.295T>C on transcript NM_199420.4 (MANE Select); coding-DNA position 295, T replaced by C.
Protein change: p.Cys99Arg; replaces cysteine 99 with arginine.
Molecular consequence: missense variant.
Genome position (GRCh38, 1-based): chr3:121,544,775, A>G on the plus strand (T>C on the coding strand, the complement: POLQ is on the minus strand). VCF-style: chr3-121544775-A-G. GRCh37 (hg19) VCF-style: chr3-121263622-A-G.
Other names: short protein forms C99R.
Identifiers: ClinVar variation 1798161 (VCV001798161.2), dbSNP rs2546827882, ClinGen allele CA354094421.
Genomic context (GRCh38, chr3:121,544,775, plus strand): 5'-AAATTTGGATACCTGAATAAACTAAATTCTTTCCTTCCAGGACTTGTCCAAGCAAAAGGC[A>G]CTCTGCCTGCCATTCAAACATCTTTTTTACACCAAAACTGTGGTATTTTTCCAGAACTGC-3'
Protein context (NP_955452.3, residues 89-109): VKKMFEWQAE[Cys99Arg]LLLGQVLEGK

ClinVar aggregate classification (germline): Uncertain significance (1 of 4 stars; one submission).

Submission:

Ambry Genetics
Classification: Uncertain significance. Last evaluated: 2021-12-15. Review status: criteria provided, single submitter. Criteria: Ambry Variant Classification Scheme 2023. Collection method: clinical testing. Allele origin: germline.
Comment: The p.C99R variant (also known as c.295T>C), located in coding exon 2 of the POLQ gene, results from a T to C substitution at nucleotide position 295. The cysteine at codon 99 is replaced by arginine, an amino acid with highly dissimilar properties. This amino acid position is conserved. In addition, the in silico prediction for this alteration is inconclusive. Since supporting evidence is limited at this time, the clinical significance of this alteration remains unclear.